The following is an entry in ClinVar:

ClinVar aggregate classification (germline): Likely benign (1 of 4 stars; one submission).

Conditions:
Leigh syndrome (NULS). Also called: Leigh's necrotizing encephalopathy; Leigh's disease; Leigh Syndrome (mtDNA deletion); Leigh Disease; Subacute necrotizing encephalopathy; Necrotizing encephalopathy infantile subacute of Leigh. Identifiers: Orphanet 506, MedGen C2931891, MONDO:0009723, OMIM 256000.

Submission:

Wong Mito Lab, Molecular and Human Genetics, Baylor College of Medicine
Classification: Likely benign for Leigh syndrome. Last evaluated: 2019-10-17. Review status: criteria provided, single submitter. Criteria: Modified ACMG Guidelines (Unpublished). Collection method: clinical testing. Allele origin: germline.
Comment: The NC_012920.1:m.9571C>T (YP_003024032.1:p.Thr122Ile) variant in MTCO3 gene is interpretated to be a Likely Benign variant based on the modified ACMG guidelines (unpublished). This variant meets the following evidence codes: BS4, BP4

NC_012920.1(MT-CO3):m.9571C>T

Gene: MT-CO3 (mitochondrially encoded cytochrome c oxidase III; plus strand).
Variant type: single nucleotide variant.
Genome position: chrM-9571-C-T.
Identifiers: ClinVar variation 693183 (VCV000693183.1), dbSNP rs1603222374, ClinGen allele CA414803239.